The following is an entry in ClinVar:

NM_021614.4(KCNN2):c.723dup (p.Glu242fs)

Gene: KCNN2 (potassium calcium-activated channel subfamily N member 2; plus strand). Cytogenetic location: 5q22.3.
Variant type: Duplication.
Coding change: c.723dup on transcript NM_021614.4 (MANE Select); coding-DNA position 723, one base duplicated (A; older notation c.723dupA).
Protein change: p.Glu242fs; shifts the reading frame from glutamic acid 242.
Molecular consequence: frameshift variant. On other transcripts: non-coding transcript variant (1).
Genome position (GRCh38, 1-based): chr5:114,362,862, A duplicated. VCF-style (leftmost placement, unchanged base first): chr5-114362861-C-CA. GRCh37 (hg19) VCF-style: chr5-113698558-C-CA.
Other names: c.921dup, p.Glu308fs (NM_001372233.1); short protein forms E242fs, E308fs.
Identifiers: ClinVar variation 4536271 (VCV004536271.1).

ClinVar aggregate classification (germline): Uncertain significance (1 of 4 stars; one submission).

Submission:

GeneDx
Classification: Uncertain significance. Last evaluated: 2025-06-02. Review status: criteria provided, single submitter. Criteria: GeneDx Variant Classification Process June 2021. Collection method: clinical testing. Allele origin: germline. Affected: yes.
Comment: Has not been previously published as pathogenic or benign to our knowledge; Frameshift variant predicted to result in protein truncation or nonsense mediated decay in a gene or region of a gene for which loss of function is not a well-established mechanism of disease